The following is an entry in ClinVar:

NM_004385.5(VCAN):c.176G>T (p.Ser59Ile)

Gene: VCAN (versican; plus strand). Cytogenetic location: 5q14.2.
Variant type: single nucleotide variant.
Coding change: c.176G>T on transcript NM_004385.5 (MANE Select); coding-DNA position 176, G replaced by T.
Protein change: p.Ser59Ile; replaces serine 59 with isoleucine.
Molecular consequence: missense variant.
Genome position (GRCh38, 1-based): chr5:83,490,203, G>T. VCF-style: chr5-83490203-G-T. GRCh37 (hg19) VCF-style: chr5-82786022-G-T.
Other names: c.176G>T, p.Ser59Ile (NM_001126336.3, NM_001164097.2, NM_001164098.2); short protein forms S59I.
Identifiers: ClinVar variation 2716468 (VCV002716468.3), dbSNP rs769983691, ClinGen allele CA3332408.

ClinVar aggregate classification (germline): Uncertain significance (1 of 4 stars; one submission).

Allele frequency attached by ClinVar (database versions not stated): gnomAD exomes below 0.00001; ExAC 0.00002.
gnomAD v4.1: 2 of 1,614,148 alleles (0.00012%); highest among the groups gnomAD compares: Non-Finnish European, 0.000085%; no homozygotes.

Submission:

Labcorp Genetics (formerly Invitae), Labcorp
Classification: Uncertain significance. Last evaluated: 2023-01-19. Review status: criteria provided, single submitter. Criteria: Invitae Variant Classification Sherloc (09022015). Collection method: clinical testing. Allele origin: germline.
Comment: In summary, the available evidence is currently insufficient to determine the role of this variant in disease. Therefore, it has been classified as a Variant of Uncertain Significance. Algorithms developed to predict the effect of missense changes on protein structure and function are either unavailable or do not agree on the potential impact of this missense change (SIFT: "Deleterious"; PolyPhen-2: "Probably Damaging"; Align-GVGD: "Class C0"). This variant has not been reported in the literature in individuals affected with VCAN-related conditions. This variant is present in population databases (rs769983691, gnomAD 0.002%). This sequence change replaces serine, which is neutral and polar, with isoleucine, which is neutral and non-polar, at codon 59 of the VCAN protein (p.Ser59Ile).